The following is an entry in ClinVar:

NM_001367561.1(DOCK7):c.468A>G (p.Gln156=)

Gene: DOCK7 (dedicator of cytokinesis 7; minus strand). Cytogenetic location: 1p31.3.
Variant type: single nucleotide variant.
Coding change: c.468A>G on transcript NM_001367561.1 (MANE Select); coding-DNA position 468, A replaced by G.
Protein change: p.Gln156=; no amino-acid change (glutamine 156 retained).
Molecular consequence: synonymous variant.
Genome position (GRCh38, 1-based): chr1:62,648,466, T>C on the plus strand (A>G on the coding strand, the complement: DOCK7 is on the minus strand). VCF-style: chr1-62648466-T-C. GRCh37 (hg19) VCF-style: chr1-63114137-T-C.
Other names: p.Gln156=; c.468A>G, p.Gln156= (NM_001271999.2, NM_001272000.2, NM_001272001.2 and 3 more transcripts).
Identifiers: ClinVar variation 571256 (VCV000571256.11), dbSNP rs750226687, ClinGen allele CA887183.

ClinVar aggregate classification (germline): Likely benign. Review status: criteria provided, multiple submitters, no conflicts (2 of 4 stars). 2 submissions from 2 submitters: Likely benign (2). Last evaluated 2025-11-03.

Conditions:
Developmental and epileptic encephalopathy, 23 (DEE23). Also called: Epileptic encephalopathy, early infantile, 23. Identifiers: Orphanet 411986, MedGen C4014492, MONDO:0014371, OMIM 615859.

Allele frequency attached by ClinVar (database versions not stated): gnomAD exomes 0.00010 and 0.00018; ExAC 0.00017; gnomAD 0.00027 and 0.00033; TOPMed 0.00027.
gnomAD v4.1: 302 of 1,546,626 alleles (0.02%); highest among the groups gnomAD compares: Admixed American, 0.045%; 1 homozygote.

Submissions (2):

Labcorp Genetics (formerly Invitae), Labcorp
Classification: Likely benign for Developmental and epileptic encephalopathy, 23. Last evaluated: 2025-11-03. Review status: criteria provided, single submitter. Criteria: Invitae Variant Classification Sherloc (09022015). Collection method: clinical testing. Allele origin: germline.

Mayo Clinic Laboratories, Mayo Clinic
Classification: Likely benign. Last evaluated: 2025-09-29. Review status: criteria provided, single submitter. Criteria: ACMG Guidelines, 2015. Collection method: clinical testing. Allele origin: germline. Observed: 1 variant allele.
Comment: BP4, BP7